The following is an entry in ClinVar:

NM_001375567.1(FOCAD):c.2631T>C (p.His877=)

Gene: FOCAD (focadhesin; plus strand). Cytogenetic location: 9p21.3.
Variant type: single nucleotide variant.
Coding change: c.2631T>C on transcript NM_001375567.1 (MANE Select); coding-DNA position 2631, T replaced by C.
Protein change: p.His877=; no amino-acid change (histidine 877 retained).
Molecular consequence: synonymous variant.
Genome position (GRCh38, 1-based): chr9:20,907,155, T>C. VCF-style: chr9-20907155-T-C. GRCh37 (hg19) VCF-style: chr9-20907154-T-C.
Other names: c.2526T>C, p.His842= (NM_001375568.1, NM_001375570.1); c.2631T>C, p.His877= (NM_017794.5).
Identifiers: ClinVar variation 3709590 (VCV003709590.2).

ClinVar aggregate classification (germline): Uncertain significance (1 of 4 stars; one submission).

gnomAD v4.1: 107 of 1,612,608 alleles (0.0066%); highest among the groups gnomAD compares: Non-Finnish European, 0.0082%; no homozygotes.

Submission:

Labcorp Genetics (formerly Invitae), Labcorp
Classification: Uncertain significance. Last evaluated: 2024-12-11. Review status: criteria provided, single submitter. Criteria: Invitae Variant Classification Sherloc (09022015). Collection method: clinical testing. Allele origin: germline.
Comment: This sequence change affects codon 877 of the FOCAD mRNA. It is a 'silent' change, meaning that it does not change the encoded amino acid sequence of the FOCAD protein. This variant is present in population databases (rs780990924, gnomAD 0.005%). This variant has not been reported in the literature in individuals affected with FOCAD-related conditions. Experimental studies and prediction algorithms are not available or were not evaluated, and the effect of this variant on mRNA splicing is currently unknown. In summary, the available evidence is currently insufficient to determine the role of this variant in disease. Therefore, it has been classified as a Variant of Uncertain Significance.